The following is an entry in ClinVar:

NM_000038.6(APC):c.5504del (p.Arg1835fs)

Gene: APC (APC regulator of Wnt signaling pathway; plus strand). Cytogenetic location: 5q22.2.
Variant type: Deletion.
Coding change: c.5504del on transcript NM_000038.6 (MANE Select); coding-DNA position 5504, one base deleted (G; older notation c.5504delG).
Protein change: p.Arg1835fs; shifts the reading frame from arginine 1835.
Molecular consequence: frameshift variant. On other transcripts: non-coding transcript variant (2).
Genome position (GRCh38, 1-based): chr5:112,841,098, G deleted. VCF-style (leftmost placement, unchanged base first): chr5-112841097-AG-A. GRCh37 (hg19) VCF-style: chr5-112176794-AG-A.
Other names: c.5504delG (NM_000038.5); c.5504del, p.Arg1835fs (NM_001127510.3, NM_001354895.2, NM_001407450.1); c.5450del, p.Arg1817fs (NM_001127511.3); c.5558del, p.Arg1853fs (NM_001354896.2, NM_001407447.1, NM_001407448.1 and 1 more transcripts); c.5534del, p.Arg1845fs (NM_001354897.2); c.5429del, p.Arg1810fs (NM_001354898.2); c.5420del, p.Arg1807fs (NM_001354899.2); c.5381del, p.Arg1794fs (NM_001354900.2); and 12 more; short protein forms R1451fs, R1552fs, R1675fs, R1706fs, R1709fs, R1734fs, R1744fs, R1752fs.
Identifiers: ClinVar variation 2584082 (VCV002584082.3), dbSNP rs2533648388, ClinGen allele CA2582341446.

ClinVar aggregate classification (germline): Pathogenic. Review status: criteria provided, multiple submitters, no conflicts (2 of 4 stars). 2 submissions from 2 submitters: Pathogenic (2). Last evaluated 2025-11-10.

Conditions:
Familial adenomatous polyposis 1 (FAP1). Also called: FAMILIAL ADENOMATOUS POLYPOSIS 1, ATTENUATED; POLYPOSIS, ADENOMATOUS INTESTINAL. Identifiers: MedGen C2713442, MONDO:0021056, OMIM 175100. Disease mechanism: loss of function.
Hereditary cancer-predisposing syndrome. Also called: Hereditary neoplastic syndrome; Tumor predisposition; Hereditary Cancer Syndrome; Neoplastic Syndromes, Hereditary. Identifiers: Orphanet 140162, MedGen C0027672, MeSH D009386, MONDO:0015356.

Submissions (2):

Ambry Genetics
Classification: Pathogenic for Hereditary cancer-predisposing syndrome. Last evaluated: 2025-11-10. Review status: criteria provided, single submitter. Criteria: Ambry Variant Classification Scheme 2023. Collection method: clinical testing. Allele origin: germline.
Comment: The c.5504delG variant, located in coding exon 15 of the APC gene, results from a deletion of one nucleotide at nucleotide position 5504, causing a translational frameshift with a predicted alternate stop codon (p.R1835Kfs*28). This alteration occurs at the 3' terminus of the gene, is not expected to trigger nonsense-mediated mRNA decay, and impacts the last 35% of the protein. However, premature stop codons are typically deleterious in nature and a significant portion of the protein is affected (Ambry internal data). This variant was reported in individual(s) with features consistent with APC-related familial adenomatous polyposis (Ambry internal data). This variant is considered to be rare based on population cohorts in the Genome Aggregation Database (gnomAD). As such, this alteration is interpreted as a disease-causing mutation.

Myriad Genetics, Inc.
Classification: Pathogenic for Familial adenomatous polyposis 1. Last evaluated: 2023-05-12. Review status: criteria provided, single submitter. Criteria: Myriad Autosomal Dominant, Autosomal Recessive and X-Linked Classification Criteria (2023). Collection method: clinical testing. Allele origin: unknown.
Comment: This variant is considered pathogenic. This variant creates a frameshift predicted to result in premature protein truncation.